The following is an entry in ClinVar:

NM_001943.5(DSG2):c.2970A>C (p.Arg990Ser)

Genes: DSG2 (desmoglein 2; plus strand), DSG2-AS1 (DSG2 antisense RNA 1; minus strand). Cytogenetic location: 18q12.1.
Variant type: single nucleotide variant.
Coding change: c.2970A>C on transcript NM_001943.5 (MANE Select); coding-DNA position 2970, A replaced by C.
Protein change: p.Arg990Ser; replaces arginine 990 with serine.
Molecular consequence: missense variant.
Genome position (GRCh38, 1-based): chr18:31,546,356, A>C. VCF-style: chr18-31546356-A-C. GRCh37 (hg19) VCF-style: chr18-29126319-A-C.
Other names: short protein forms R990S.
Identifiers: ClinVar variation 629186 (VCV000629186.4), dbSNP rs1380500504, ClinGen allele CA402147588.

ClinVar aggregate classification (germline): Uncertain significance (1 of 4 stars; one submission).

Conditions:
Cardiomyopathy (CMYO). Also called: Cardiomyopathies. Identifiers: Orphanet 167848, MedGen C0878544, MONDO:0004994, HP:0001638. Inheritance: Various modes of inheritance.

Allele frequency attached by ClinVar (database versions not stated): gnomAD exomes below 0.00001.
gnomAD v4.1: 1 of 1,613,764 alleles (0.000062%); highest among the groups gnomAD compares: Non-Finnish European, 0.000085%; no homozygotes.

Submission:

Color Diagnostics, LLC DBA Color Health
Classification: Uncertain significance for Cardiomyopathy. Last evaluated: 2023-12-04. Review status: criteria provided, single submitter. Criteria: ACMG Guidelines, 2015. Collection method: clinical testing. Allele origin: germline.
Comment: Variant of Uncertain Significance due to insufficient evidence: This missense variant is located in the cytoplasmic desmoglein repeat 1 of the DSG2 protein. Computational prediction tools and conservation analyses are inconclusive regarding the impact of this variant on the protein function. Computational splicing tools suggest that this variant may not impact the RNA splicing. To our knowledge, functional assays have not been performed for this variant nor has this variant been reported in individuals affected with cardiovascular disorders in the literature. This variant has been identified in 1/245690 chromosomes in the general population by the Genome Aggregation Database (gnomAD). Available evidence is insufficient to determine the pathogenicity of this variant conclusively.